The following is an entry in ClinVar:

NM_003742.4(ABCB11):c.1905G>A (p.Val635=)

Gene: ABCB11 (ATP binding cassette subfamily B member 11; minus strand). Cytogenetic location: 2q31.1.
Variant type: single nucleotide variant.
Coding change: c.1905G>A on transcript NM_003742.4 (MANE Select); coding-DNA position 1905, G replaced by A.
Protein change: p.Val635=; no amino-acid change (valine 635 retained).
Molecular consequence: synonymous variant.
Genome position (GRCh38, 1-based): chr2:168,969,456, C>T on the plus strand (G>A on the coding strand, the complement: ABCB11 is on the minus strand). VCF-style: chr2-168969456-C-T. GRCh37 (hg19) VCF-style: chr2-169825966-C-T.
Other names: c.1905G>A (NM_003742.2).
Identifiers: ClinVar variation 1095829 (VCV001095829.12), dbSNP rs774534615, ClinGen allele CA1951435.

ClinVar aggregate classification (germline): Likely benign. Review status: criteria provided, single submitter (1 of 4 stars). 2 submissions from 2 submitters: Likely benign (1). 1 of the submissions does not count toward it. Last evaluated 2023-10-08.

Conditions:
ABCB11-related disorder. Also called: ABCB11-related condition.

Allele frequency attached by ClinVar (database versions not stated): gnomAD exomes below 0.00001 and 0.00001; ExAC 0.00002; gnomAD 0.00002 and 0.00003; TOPMed 0.00005.
gnomAD v4.1: 7 of 1,612,366 alleles (0.00043%); highest among the groups gnomAD compares: African/African-American, 0.0094%; no homozygotes.

Submissions (2):

Labcorp Genetics (formerly Invitae), Labcorp
Classification: Likely benign. Last evaluated: 2023-10-08. Review status: criteria provided, single submitter. Criteria: Invitae Variant Classification Sherloc (09022015). Collection method: clinical testing. Allele origin: germline.

PreventionGenetics, part of Exact Sciences
Classification: Likely benign for ABCB11-related condition. Last evaluated: 2021-08-24. Review status: no assertion criteria provided. Collection method: clinical testing. Allele origin: germline. Not counted in ClinVar's aggregate classification.
Comment: This variant is classified as likely benign based on ACMG/AMP sequence variant interpretation guidelines (Richards et al. 2015 PMID: 25741868, with internal and published modifications).